The following is an entry in ClinVar:

ClinVar aggregate classification (germline): Benign/Likely benign. Review status: criteria provided, multiple submitters, no conflicts (2 of 4 stars). 3 submissions from 3 submitters: Benign (1); Likely benign (2). Last evaluated 2025-06-10.

Conditions:
Oligodontia-cancer predisposition syndrome. Also called: TOOTH AGENESIS-COLORECTAL CANCER SYNDROME. Identifiers: Orphanet 300576, MedGen C1837750, MONDO:0012075, OMIM 608615. Disease mechanism: loss of function.
Hereditary cancer-predisposing syndrome. Also called: Hereditary neoplastic syndrome; Neoplastic Syndromes, Hereditary; Tumor predisposition; Hereditary Cancer Syndrome. Identifiers: Orphanet 140162, MedGen C0027672, MeSH D009386, MONDO:0015356.

Allele frequency attached by ClinVar (database versions not stated): gnomAD exomes below 0.00001.
gnomAD v4.1: 6 of 1,613,590 alleles (0.00037%); highest among the groups gnomAD compares: Non-Finnish European, 0.00051%; no homozygotes.

Submissions (3):

Labcorp Genetics (formerly Invitae), Labcorp
Classification: Likely benign for Oligodontia-cancer predisposition syndrome. Last evaluated: 2025-06-10. Review status: criteria provided, single submitter. Criteria: Invitae Variant Classification Sherloc (09022015). Collection method: clinical testing. Allele origin: germline.

Myriad Genetics, Inc.
Classification: Benign for Oligodontia-cancer predisposition syndrome. Last evaluated: 2024-06-26. Review status: criteria provided, single submitter. Criteria: Myriad Autosomal Dominant, Autosomal Recessive and X-Linked Classification Criteria (2023). Collection method: clinical testing. Allele origin: unknown.
Comment: This variant is considered benign. This variant is a silent/synonymous amino acid change and it is not expected to impact splicing.

Ambry Genetics
Classification: Likely benign for Hereditary cancer-predisposing syndrome. Last evaluated: 2021-03-23. Review status: criteria provided, single submitter. Criteria: Ambry Variant Classification Scheme 2023. Collection method: clinical testing. Allele origin: germline.

NM_004655.4(AXIN2):c.477T>C (p.Asp159=)

Gene: AXIN2 (axin 2; minus strand). Cytogenetic location: 17q24.1.
Variant type: single nucleotide variant.
Coding change: c.477T>C on transcript NM_004655.4 (MANE Select); coding-DNA position 477, T replaced by C.
Protein change: p.Asp159=; no amino-acid change (aspartic acid 159 retained).
Molecular consequence: synonymous variant.
Genome position (GRCh38, 1-based): chr17:65,558,144, A>G on the plus strand (T>C on the coding strand, the complement: AXIN2 is on the minus strand). VCF-style: chr17-65558144-A-G. GRCh37 (hg19) VCF-style: chr17-63554262-A-G.
Other names: c.477T>C (LRG_296t1); c.477T>C, p.Asp159= (NM_001363813.1).
Identifiers: ClinVar variation 533247 (VCV000533247.14), dbSNP rs1555583438, ClinGen allele CA501691707.